The following is an entry in ClinVar:

ClinVar aggregate classification (germline): Uncertain significance (1 of 4 stars; one submission).

Submission:

Ambry Genetics
Classification: Uncertain significance. Last evaluated: 2022-04-19. Review status: criteria provided, single submitter. Criteria: Ambry Variant Classification Scheme 2023. Collection method: clinical testing. Allele origin: germline.
Comment: The p.Q109R variant (also known as c.326A>G), located in coding exon 5 of the NPAT gene, results from an A to G substitution at nucleotide position 326. The glutamine at codon 109 is replaced by arginine, an amino acid with highly similar properties. This amino acid position is conserved. In addition, the in silico prediction for this alteration is inconclusive. Since supporting evidence is limited at this time, the clinical significance of this alteration remains unclear.

NM_002519.3(NPAT):c.326A>G (p.Gln109Arg)

Gene: NPAT (nuclear protein, coactivator of histone transcription; minus strand). Cytogenetic location: 11q22.3.
Variant type: single nucleotide variant.
Coding change: c.326A>G on transcript NM_002519.3 (MANE Select); coding-DNA position 326, A replaced by G.
Protein change: p.Gln109Arg; replaces glutamine 109 with arginine.
Molecular consequence: missense variant.
Genome position (GRCh38, 1-based): chr11:108,190,465, T>C on the plus strand (A>G on the coding strand, the complement: NPAT is on the minus strand). VCF-style: chr11-108190465-T-C. GRCh37 (hg19) VCF-style: chr11-108061192-T-C.
Other names: c.326A>G, p.Gln109Arg (NM_001321307.1); short protein forms Q109R.
Identifiers: ClinVar variation 1729602 (VCV001729602.2), dbSNP rs2496748452, ClinGen allele CA382526201.